The following is an entry in ClinVar:

NM_001005242.3(PKP2):c.12C>A (p.Pro4=)

Gene: PKP2 (plakophilin 2; minus strand). Cytogenetic location: 12p11.21.
Variant type: single nucleotide variant.
Coding change: c.12C>A on transcript NM_001005242.3 (MANE Select); coding-DNA position 12, C replaced by A.
Protein change: p.Pro4=; no amino-acid change (proline 4 retained).
Molecular consequence: synonymous variant. On other transcripts: 5 prime UTR variant (4).
Genome position (GRCh38, 1-based): chr12:32,896,720, G>T on the plus strand (C>A on the coding strand, the complement: PKP2 is on the minus strand). VCF-style: chr12-32896720-G-T. GRCh37 (hg19) VCF-style: chr12-33049654-G-T.
Other names: c.12C>A, p.Pro4= (NM_001407155.1, NM_001407156.1, NM_001407157.1 and 2 more transcripts); c.-815C>A (NM_001407158.1, NM_001407162.1); c.-579C>A (NM_001407159.1, NM_001407160.1).
Identifiers: ClinVar variation 1769338 (VCV001769338.6), dbSNP rs397516991, ClinGen allele CA479175987.

ClinVar aggregate classification (germline): Likely benign. Review status: criteria provided, multiple submitters, no conflicts (2 of 4 stars). 3 submissions from 3 submitters: Likely benign (3). Last evaluated 2024-07-29.

Conditions:
Cardiovascular phenotype. Identifiers: MedGen CN230736.
Arrhythmogenic right ventricular cardiomyopathy (ARVD). Also called: Cardiomyopathy, ARVC; Arrhythmogenic right ventricular dysplasia; Arrhythmogenic cardiomyopathy; Arrhythmogenic Right Ventricular Cardiomyopathy (ARVC). Identifiers: Orphanet 247, MedGen C0349788, MeSH D019571, MONDO:0016587. Disease mechanism: loss of function. Inheritance: Various modes of inheritance.
Arrhythmogenic right ventricular dysplasia 9 (ARVD9). Also called: Arrhythmogenic Right Ventricular Dysplasia/Cardiomyopathy 9; ARRHYTHMOGENIC RIGHT VENTRICULAR DYSPLASIA, FAMILIAL, 9. Identifiers: MedGen C1836906, MONDO:0012180, OMIM 609040.

gnomAD v4.1: 1 of 1,461,732 alleles (0.000068%); no homozygotes.

Submissions (3):

All of Us Research Program, National Institutes of Health
Classification: Likely benign for Arrhythmogenic right ventricular cardiomyopathy. Last evaluated: 2024-07-29. Review status: criteria provided, single submitter. Criteria: ACMG Guidelines, 2015. Collection method: clinical testing. Allele origin: germline. Inheritance: Autosomal dominant inheritance. Observed: 1 variant allele, 1 heterozygote.
Comment: This study involves interpretation of variants in research participants for the purpose of population health screening. Participant phenotype was not available at the time of variant classification. Additional details can be found in publication PMID: 35346344, PMCID: PMC8962531

Labcorp Genetics (formerly Invitae), Labcorp
Classification: Likely benign for Arrhythmogenic right ventricular dysplasia 9. Last evaluated: 2023-05-19. Review status: criteria provided, single submitter. Criteria: Invitae Variant Classification Sherloc (09022015). Collection method: clinical testing. Allele origin: germline.

Ambry Genetics
Classification: Likely benign for Cardiovascular phenotype. Last evaluated: 2020-03-06. Review status: criteria provided, single submitter. Criteria: Ambry Variant Classification Scheme 2023. Collection method: clinical testing. Allele origin: germline.